The following is an entry in ClinVar:

ClinVar aggregate classification (germline): Pathogenic. Review status: criteria provided, multiple submitters, no conflicts (2 of 4 stars). 2 submissions from 2 submitters: Pathogenic (2). Last evaluated 2022-10-05.

Conditions:
Knobloch syndrome (KNO). Also called: RETINAL DETACHMENT AND OCCIPITAL ENCEPHALOCELE; Myopia retinal detachment encephalocele. Identifiers: Orphanet 1571, MedGen C1849409, MONDO:0800166.

Submissions (2):

Labcorp Genetics (formerly Invitae), Labcorp
Classification: Pathogenic. Last evaluated: 2022-10-05. Review status: criteria provided, single submitter. Criteria: Invitae Variant Classification Sherloc (09022015). Collection method: clinical testing. Allele origin: germline.
Comment: This sequence change creates a premature translational stop signal (p.Gly387Aspfs*45) in the COL18A1 gene. It is expected to result in an absent or disrupted protein product. Loss-of-function variants in COL18A1 are known to be pathogenic (PMID: 12415512, 25456301). The frequency data for this variant in the population databases is considered unreliable, as metrics indicate poor data quality at this position in the gnomAD database. This variant has not been reported in the literature in individuals affected with COL18A1-related conditions. ClinVar contains an entry for this variant (Variation ID: 915433). For these reasons, this variant has been classified as Pathogenic.

Genomic Research Center, Shahid Beheshti University of Medical Sciences
Classification: Pathogenic for Knobloch syndrome 1. Last evaluated: 2020-05-03. Review status: criteria provided, single submitter. Criteria: ACMG Guidelines, 2015. Collection method: clinical testing. Allele origin: unknown. Affected: yes.

Literature cited by the submitters: PubMed 12415512 (cited by Labcorp Genetics (formerly Invitae), Labcorp); PubMed 25456301 (cited by Labcorp Genetics (formerly Invitae), Labcorp).

NM_001379500.1(COL18A1):c.1158del (p.Gly387fs)

Gene: COL18A1 (collagen type XVIII alpha 1 chain; plus strand). Cytogenetic location: 21q22.3.
Variant type: Deletion.
Coding change: c.1158del on transcript NM_001379500.1 (MANE Select); coding-DNA position 1158, one base deleted (C; older notation c.1158delC).
Protein change: p.Gly387fs; shifts the reading frame from glycine 387.
Molecular consequence: frameshift variant.
Genome position (GRCh38, 1-based): chr21:45,477,902, C deleted; the last of 4 consecutive C bases (chr21:45,477,899-45,477,902); deleting any one gives the same sequence. VCF-style (leftmost placement, unchanged base first): chr21-45477898-TC-T. GRCh37 (hg19) VCF-style: chr21-46897812-TC-T.
Other names: c.1698del, p.Gly567fs (NM_030582.4); c.2403del, p.Gly802fs (NM_130444.3); c.1695delC (NM_030582.4); short protein forms G802fs, G567fs, G387fs.
Identifiers: ClinVar variation 915433 (VCV000915433.8), dbSNP rs1438060081, ClinGen allele CA638497020.